The following is an entry in ClinVar:

NM_145331.3(MAP3K7):c.851T>G (p.Met284Arg)

Gene: MAP3K7 (mitogen-activated protein kinase kinase kinase 7; minus strand). Cytogenetic location: 6q15.
Variant type: single nucleotide variant.
Coding change: c.851T>G on transcript NM_145331.3 (MANE Select); coding-DNA position 851, T replaced by G.
Protein change: p.Met284Arg; replaces methionine 284 with arginine.
Molecular consequence: missense variant.
Genome position (GRCh38, 1-based): chr6:90,552,065, A>C on the plus strand (T>G on the coding strand, the complement: MAP3K7 is on the minus strand). VCF-style: chr6-90552065-A-C. GRCh37 (hg19) VCF-style: chr6-91261784-A-C.
Other names: c.851T>G, p.Met284Arg (NM_003188.4, NM_145332.3, NM_145333.3); short protein forms M284R.
Identifiers: ClinVar variation 4070706 (VCV004070706.1).
Genomic context (GRCh38, chr6:90,552,065, plus strand): 5'-TTAAATTCCCCTAAATCCAAAGCCCCTCAAAAGAAGGATTATACCCGCATCAAGTGAGTC[A>C]TTATTTTCACAATTTCCTCCATTGAAGGGCGCTGGGAAGGATCTTTAGACCAACAACGAG-3'
Protein context (NP_663304.1, residues 274-294): RPSMEEIVKI[Met284Arg]THLMRYFPGA

ClinVar aggregate classification (germline): Uncertain significance (1 of 4 stars; one submission).

Submission:

GeneDx
Classification: Uncertain significance. Last evaluated: 2025-01-15. Review status: criteria provided, single submitter. Criteria: GeneDx Variant Classification Process June 2021. Collection method: clinical testing. Allele origin: germline. Affected: yes.
Comment: Not observed at significant frequency in large population cohorts (gnomAD); In silico analysis supports that this missense variant has a deleterious effect on protein structure/function; Has not been previously published as pathogenic or benign to our knowledge